The following is an entry in ClinVar:

NM_206965.2(FTCD):c.643C>T (p.Arg215Cys)

Gene: FTCD (formimidoyltransferase cyclodeaminase; minus strand). Cytogenetic location: 21q22.3.
Variant type: single nucleotide variant.
Coding change: c.643C>T on transcript NM_206965.2 (MANE Select); coding-DNA position 643, C replaced by T.
Protein change: p.Arg215Cys; replaces arginine 215 with cysteine.
Molecular consequence: missense variant.
Genome position (GRCh38, 1-based): chr21:46,150,519, G>A on the plus strand (C>T on the coding strand, the complement: FTCD is on the minus strand). VCF-style: chr21-46150519-G-A. GRCh37 (hg19) VCF-style: chr21-47570433-G-A.
Other names: c.643C>T, p.Arg215Cys (NM_001320412.2, NM_006657.3); c.643C>T (NM_001320412.1); short protein forms R215C.
Identifiers: ClinVar variation 340429 (VCV000340429.29), dbSNP rs149667449, ClinGen allele CA10073775.
Genomic context (GRCh38, chr21:46,150,519, plus strand): 5'-ACACCTGAGCCAGGTTCTTCTCATCCAGGTACCAGCCAATGCCCTGAACTTTCTTCAGAC[G>A]TCCTGGCTGCAAAGGAAGAGCGTTCCCCAGCCTGGACTAGGAAGCTCATCCTGCCTGGCC-3'
Protein context (NP_996848.1, residues 205-225): EQGRGKDQPG[Arg215Cys]LKKVQGIGWY

ClinVar aggregate classification (germline): Conflicting classifications of pathogenicity. Review status: criteria provided, conflicting classifications (1 of 4 stars). 5 submissions from 5 submitters: Uncertain significance (1); Likely benign (3). 1 of the submissions does not count toward it. Last evaluated 2026-01-19.

Conditions:
FTCD-related disorder. Also called: FTCD-related condition.
Glutamate formiminotransferase deficiency. Also called: Arakawa syndrome 1; Formiminoglutamic aciduria. Identifiers: Orphanet 51208, MedGen C0268609, MONDO:0009240, OMIM 229100.

Allele frequency attached by ClinVar (database versions not stated): 1000 Genomes Project 30x 0.00156; 1000 Genomes Project 0.00160; ExAC 0.00177; gnomAD exomes 0.00177; gnomAD 0.00185 and 0.00187; TOPMed 0.00208; ESP Exome Variant Server 0.00285.

Submissions (5):

Labcorp Genetics (formerly Invitae), Labcorp
Classification: Likely benign for Glutamate formiminotransferase deficiency. Last evaluated: 2026-01-19. Review status: criteria provided, single submitter. Criteria: Invitae Variant Classification Sherloc (09022015). Collection method: clinical testing. Allele origin: germline.

CeGaT Center for Human Genetics Tuebingen
Classification: Likely benign. Last evaluated: 2025-10-01. Review status: criteria provided, single submitter. Criteria: CeGaT Center For Human Genetics Tuebingen Variant Classification Criteria Version 2. Collection method: clinical testing. Allele origin: germline. Affected: yes. Observed: 2 variant alleles.
Comment: FTCD: BP4

Blueprint Genetics
Classification: Uncertain significance. Last evaluated: 2024-10-24. Review status: criteria provided, single submitter. Criteria: ACMG Guidelines, 2015. Collection method: clinical testing. Allele origin: germline.

Breakthrough Genomics
Classification: Likely benign. Review status: criteria provided, single submitter. Criteria: ACMG Guidelines, 2015. Collection method: not provided. Allele origin: germline. Inheritance: Autosomal recessive inheritance. Affected: yes.

PreventionGenetics, part of Exact Sciences
Classification: Likely benign for FTCD-related condition. Last evaluated: 2022-12-27. Review status: no assertion criteria provided. Collection method: clinical testing. Allele origin: germline. Not counted in ClinVar's aggregate classification.
Comment: This variant is classified as likely benign based on ACMG/AMP sequence variant interpretation guidelines (Richards et al. 2015 PMID: 25741868, with internal and published modifications).